The following is an entry in ClinVar:

NM_000063.6(C2):c.363C>G (p.Phe121Leu)

Gene: C2 (complement C2; plus strand). Cytogenetic location: 6p21.33.
Variant type: single nucleotide variant.
Coding change: c.363C>G on transcript NM_000063.6 (MANE Select); coding-DNA position 363, C replaced by G.
Protein change: p.Phe121Leu; replaces phenylalanine 121 with leucine.
Molecular consequence: missense variant. On other transcripts: genic upstream transcript variant (2), intron variant (1).
Genome position (GRCh38, 1-based): chr6:31,928,838, C>G. VCF-style: chr6-31928838-C-G. GRCh37 (hg19) VCF-style: chr6-31896615-C-G.
Other names: c.276C>G, p.Phe92Leu (NM_001282458.2); c.363C>G, p.Phe121Leu (NM_001282459.2); c.-63-4772C>G (NM_001282457.2); c.74-4772C>G (NM_001178063.3); c.46+1040C>G (NM_001145903.3); short protein forms F121L, F92L.
Identifiers: ClinVar variation 2020011 (VCV002020011.3), dbSNP rs1414746625, ClinGen allele CA363490993.
Genomic context (GRCh38, chr6:31,928,838, plus strand): 5'-CCCACGGCTGGGGTCCTATCCCGTGGGTGGCAATGTGAGCTTCGAGTGTGAGGATGGCTT[C>G]ATATTGCGGGGCTCGCCTGTGCGTCAGTGTCGCCCCAACGGCATGTGGGATGGAGAAACA-3'
Protein context (NP_000054.2, residues 111-131): GNVSFECEDG[Phe121Leu]ILRGSPVRQC

ClinVar aggregate classification (germline): Uncertain significance (1 of 4 stars; one submission).

Allele frequency attached by ClinVar (database versions not stated): TOPMed 0.00001; gnomAD 0.00003.

Submission:

Labcorp Genetics (formerly Invitae), Labcorp
Classification: Uncertain significance. Last evaluated: 2022-07-21. Review status: criteria provided, single submitter. Criteria: Invitae Variant Classification Sherloc (09022015). Collection method: clinical testing. Allele origin: germline.
Comment: In summary, the available evidence is currently insufficient to determine the role of this variant in disease. Therefore, it has been classified as a Variant of Uncertain Significance. Algorithms developed to predict the effect of missense changes on protein structure and function are either unavailable or do not agree on the potential impact of this missense change (SIFT: "Deleterious"; PolyPhen-2: "Benign"; Align-GVGD: "Class C0"). This variant has not been reported in the literature in individuals affected with C2-related conditions. This variant is present in population databases (no rsID available, gnomAD 0.02%). This sequence change replaces phenylalanine, which is neutral and non-polar, with leucine, which is neutral and non-polar, at codon 121 of the C2 protein (p.Phe121Leu).